The following is an entry in ClinVar:

NM_022463.5(NXN):c.361-37967A>G

Gene: NXN (nucleoredoxin; minus strand). Cytogenetic location: 17p13.3.
Variant type: single nucleotide variant.
Coding change: c.361-37967A>G on transcript NM_022463.5 (MANE Select); 37967 bases into the intron before coding-DNA position 361, A replaced by G.
Molecular consequence: intron variant. On other transcripts: synonymous variant (1).
Genome position (GRCh38, 1-based): chr17:864,045, T>C on the plus strand (A>G on the coding strand, the complement: NXN is on the minus strand). VCF-style: chr17-864045-T-C. GRCh37 (hg19) VCF-style: chr17-767285-T-C.
Other names: c.6A>G, p.Ala2= (NM_001205319.1).
Identifiers: ClinVar variation 3033247 (VCV003033247.2), dbSNP rs114600103, ClinGen allele CA8264237.

ClinVar aggregate classification (germline): Benign (0 of 4 stars; one submission).

Conditions:
NXN-related disorder. Also called: NXN-related condition.

Allele frequency attached by ClinVar (database versions not stated): 1000 Genomes Project 0.00280; gnomAD 0.00309; ExAC 0.00028; gnomAD exomes 0.00031.
gnomAD v4.1: 915 of 1,507,042 alleles (0.061%); highest among the groups gnomAD compares: African/African-American, 1.1%; 3 homozygotes.

Submission:

PreventionGenetics, part of Exact Sciences
Classification: Benign for NXN-related condition. Last evaluated: 2019-02-22. Review status: no assertion criteria provided. Collection method: clinical testing. Allele origin: germline.
Comment: This variant is classified as benign based on ACMG/AMP sequence variant interpretation guidelines (Richards et al. 2015 PMID: 25741868, with internal and published modifications).